The following is an entry in ClinVar:

ClinVar aggregate classification (germline): Uncertain significance. Review status: criteria provided, multiple submitters, no conflicts (2 of 4 stars). 2 submissions from 2 submitters: Uncertain significance (2). Last evaluated 2022-12-03.

Conditions:
Immunodeficiency, common variable, 12 (CVID12). Also called: IMMUNODEFICIENCY, COMMON VARIABLE, 12, WITH AUTOIMMUNITY; NFKB1 DEFICIENCY. Identifiers: Orphanet 1572, Orphanet 696874, MedGen C4225277, MONDO:0014697, OMIM 616576.

Allele frequency attached by ClinVar (database versions not stated): gnomAD exomes 0.00001; gnomAD 0.00001.
gnomAD v4.1: 15 of 1,614,030 alleles (0.00093%); highest among the groups gnomAD compares: South Asian, 0.015%; 1 homozygote.

Submissions (2):

Labcorp Genetics (formerly Invitae), Labcorp
Classification: Uncertain significance. Last evaluated: 2022-12-03. Review status: criteria provided, single submitter. Criteria: Invitae Variant Classification Sherloc (09022015). Collection method: clinical testing. Allele origin: germline.
Comment: This sequence change replaces alanine, which is neutral and non-polar, with threonine, which is neutral and polar, at codon 624 of the NFKB1 protein (p.Ala624Thr). In summary, the available evidence is currently insufficient to determine the role of this variant in disease. Therefore, it has been classified as a Variant of Uncertain Significance. Advanced modeling of protein sequence and biophysical properties (such as structural, functional, and spatial information, amino acid conservation, physicochemical variation, residue mobility, and thermodynamic stability) performed at Invitae indicates that this missense variant is not expected to disrupt NFKB1 protein function. This variant has not been reported in the literature in individuals affected with NFKB1-related conditions. This variant is present in population databases (no rsID available, gnomAD 0.003%).

Neuberg Centre For Genomic Medicine, NCGM
Classification: Uncertain significance for Immunodeficiency, common variable, 12. Review status: criteria provided, single submitter. Criteria: ACMG Guidelines, 2015. Collection method: clinical testing. Allele origin: germline. Inheritance: Autosomal dominant inheritance. Affected: yes.
Comment: The c.1870G>A (p.Ala624Thr) missense variant in NFKB1 gene has not been reported previously as a pathogenic variant nor as a benign variant, to our knowledge. The p.Ala624Thr variant is reported with the allele frequency (0.0003%) in the gnomAD Exomes and is novel (not in any individuals) in 1000 Genomes. The amino acid Ala at position 624 is changed to a Thr changing protein sequence and it might alter its composition and physico-chemical properties. In silico tools predict the variant to be tolerated. The residue is conserved across species. The amino acid change p.Ala624Thr in NFKB1 is predicted as conserved by GERP++ and PhyloP across 100 vertebrates. For these reasons, this variant has been classified as Variant of Uncertain Significance (VUS).

NM_003998.4(NFKB1):c.1870G>A (p.Ala624Thr)

Gene: NFKB1 (nuclear factor kappa B subunit 1; plus strand). Cytogenetic location: 4q24.
Variant type: single nucleotide variant.
Coding change: c.1870G>A on transcript NM_003998.4 (MANE Select); coding-DNA position 1870, G replaced by A.
Protein change: p.Ala624Thr; replaces alanine 624 with threonine.
Molecular consequence: missense variant.
Genome position (GRCh38, 1-based): chr4:102,606,613, G>A. VCF-style: chr4-102606613-G-A. GRCh37 (hg19) VCF-style: chr4-103527770-G-A.
Other names: c.1867G>A, p.Ala623Thr (NM_001165412.2, NM_001319226.2, NM_001382627.1); c.1870G>A, p.Ala624Thr (NM_001382625.1, NM_001382626.1); c.1828G>A, p.Ala610Thr (NM_001382628.1); short protein forms A610T, A623T, A624T.
Identifiers: ClinVar variation 2585426 (VCV002585426.4), dbSNP rs1252330766, ClinGen allele CA357752072.